The following is an entry in ClinVar:

NM_004795.4(KL):c.1419G>A (p.Arg473=)

Gene: KL (klotho; plus strand). Cytogenetic location: 13q13.1.
Variant type: single nucleotide variant.
Coding change: c.1419G>A on transcript NM_004795.4 (MANE Select); coding-DNA position 1419, G replaced by A.
Protein change: p.Arg473=; no amino-acid change (arginine 473 retained).
Molecular consequence: synonymous variant.
Genome position (GRCh38, 1-based): chr13:33,055,135, G>A. VCF-style: chr13-33055135-G-A. GRCh37 (hg19) VCF-style: chr13-33629272-G-A.
Identifiers: ClinVar variation 883027 (VCV000883027.14), dbSNP rs144181834, ClinGen allele CA6944104.

ClinVar aggregate classification (germline): Conflicting classifications of pathogenicity. Review status: criteria provided, conflicting classifications (1 of 4 stars). 4 submissions from 4 submitters: Uncertain significance (1); Likely benign (2). 1 of the submissions does not count toward it. Last evaluated 2025-11-18.

Conditions:
KL-related disorder. Also called: KL-related condition.
Tumoral calcinosis, hyperphosphatemic, familial, 3. Identifiers: MedGen C4693864, MONDO:0060715, OMIM 617994.

Allele frequency attached by ClinVar (database versions not stated): gnomAD exomes 0.00012; ExAC 0.00016; ESP Exome Variant Server 0.00038; 1000 Genomes Project 0.00040; gnomAD 0.00047 and 0.00052; TOPMed 0.00050; 1000 Genomes Project 30x 0.00062.
gnomAD v4.1: 125 of 1,614,184 alleles (0.0077%); highest among the groups gnomAD compares: African/African-American, 0.14%; no homozygotes.

Submissions (4):

Labcorp Genetics (formerly Invitae), Labcorp
Classification: Likely benign. Last evaluated: 2025-11-18. Review status: criteria provided, single submitter. Criteria: Invitae Variant Classification Sherloc (09022015). Collection method: clinical testing. Allele origin: germline.

Blueprint Genetics
Classification: Likely benign. Last evaluated: 2021-08-10. Review status: criteria provided, single submitter. Criteria: ACMG Guidelines, 2015. Collection method: clinical testing. Allele origin: germline.

Illumina Laboratory Services, Illumina
Classification: Uncertain significance for Tumoral calcinosis, hyperphosphatemic, familial, 3. Last evaluated: 2018-01-13. Review status: criteria provided, single submitter. Criteria: ICSL Variant Classification Criteria 13 December 2019. Collection method: clinical testing. Allele origin: germline.

PreventionGenetics, part of Exact Sciences
Classification: Likely benign for KL-related condition. Last evaluated: 2019-08-22. Review status: no assertion criteria provided. Collection method: clinical testing. Allele origin: germline. Not counted in ClinVar's aggregate classification.
Comment: This variant is classified as likely benign based on ACMG/AMP sequence variant interpretation guidelines (Richards et al. 2015 PMID: 25741868, with internal and published modifications).